The following is an entry in ClinVar:

NM_001164508.2(NEB):c.16192G>A (p.Asp5398Asn)

Gene: NEB (nebulin; minus strand). Cytogenetic location: 2q23.3.
Variant type: single nucleotide variant.
Coding change: c.16192G>A on transcript NM_001164508.2 (MANE Select); coding-DNA position 16192, G replaced by A.
Protein change: p.Asp5398Asn; replaces aspartic acid 5398 with asparagine.
Molecular consequence: missense variant. On other transcripts: intron variant (1).
Genome position (GRCh38, 1-based): chr2:151,581,575, C>T on the plus strand (G>A on the coding strand, the complement: NEB is on the minus strand). VCF-style: chr2-151581575-C-T. GRCh37 (hg19) VCF-style: chr2-152438089-C-T.
Other names: c.16192G>A, p.Asp5398Asn (NM_001164507.2, NM_001271208.2); c.11602-5221G>A (NM_004543.5); short protein forms D5398N.
Identifiers: ClinVar variation 257757 (VCV000257757.49), dbSNP rs750810441, ClinGen allele CA1908439.

ClinVar aggregate classification (germline): Likely benign. Review status: criteria provided, multiple submitters, no conflicts (2 of 4 stars). 6 submissions from 6 submitters: Likely benign (4). 2 of the submissions do not count toward it. Last evaluated 2026-06-01.

Allele frequency attached by ClinVar (database versions not stated): gnomAD exomes 0.00186 and 0.00219; gnomAD 0.00200 and 0.00204; 1000 Genomes Project 30x 0.00281; ExAC 0.00394.
gnomAD v4.1: 1,705 of 862,226 alleles (0.2%); highest among the groups gnomAD compares: Middle Eastern, 0.93%; 19 homozygotes.

Submissions (6):

CeGaT Center for Human Genetics Tuebingen
Classification: Likely benign. Last evaluated: 2026-06-01. Review status: criteria provided, single submitter. Criteria: CeGaT Center For Human Genetics Tuebingen Variant Classification Criteria Version 2. Collection method: clinical testing. Allele origin: germline. Affected: yes. Observed: 11 variant alleles.
Comment: NEB: BP4, BS2

Blueprint Genetics
Classification: Likely benign. Last evaluated: 2024-11-25. Review status: criteria provided, single submitter. Criteria: ACMG Guidelines, 2015. Collection method: clinical testing. Allele origin: germline.

GeneDx
Classification: Likely benign. Last evaluated: 2020-09-17. Review status: criteria provided, single submitter. Criteria: GeneDx Variant Classification Process June 2021. Collection method: clinical testing. Allele origin: germline. Affected: yes.

PreventionGenetics, part of Exact Sciences
Classification: Likely benign. Review status: criteria provided, single submitter. Criteria: ACMG Guidelines, 2015. Collection method: clinical testing. Allele origin: germline.

Clinical Genetics DNA and cytogenetics Diagnostics Lab, Erasmus MC, Erasmus Medical Center
Classification: Likely benign. Review status: no assertion criteria provided. Collection method: clinical testing. Allele origin: germline. Affected: yes. Study: VKGL Data-share Consensus. Not counted in ClinVar's aggregate classification.

Laboratory of Diagnostic Genome Analysis, Leiden University Medical Center (LUMC)
Classification: Likely benign. Review status: no assertion criteria provided. Collection method: clinical testing. Allele origin: germline. Affected: yes. Study: VKGL Data-share Consensus. Not counted in ClinVar's aggregate classification.